The following is an entry in ClinVar:

ClinVar aggregate classification (germline): Uncertain significance. Review status: criteria provided, multiple submitters, no conflicts (2 of 4 stars). 7 submissions from 7 submitters: Uncertain significance (7). Last evaluated 2025-11-11.

Conditions:
Cardiovascular phenotype. Identifiers: MedGen CN230736.
Cardiomyopathy (CMYO). Also called: Cardiomyopathies. Identifiers: Orphanet 167848, MedGen C0878544, MONDO:0004994, HP:0001638. Inheritance: Various modes of inheritance.
Hypertrophic cardiomyopathy. Also called: HYPERTROPHIC MYOCARDIOPATHY. Identifiers: Orphanet 217569, MedGen C0007194, MeSH D002312, MONDO:0005045, HP:0001639.

Allele frequency attached by ClinVar (database versions not stated): gnomAD exomes 0.00001 and 0.00002; ExAC 0.00002; TOPMed 0.00003; gnomAD 0.00005; ESP Exome Variant Server 0.00008.
gnomAD v4.1: 41 of 1,606,052 alleles (0.0026%); highest among the groups gnomAD compares: Admixed American, 0.005%; no homozygotes.

Submissions (7):

Color Diagnostics, LLC DBA Color Health
Classification: Uncertain significance for Cardiomyopathy. Last evaluated: 2025-11-11. Review status: criteria provided, single submitter. Criteria: ACMG Guidelines, 2015. Collection method: clinical testing. Allele origin: germline.
Comment: This synonymous variant causes a C>T nucleotide change in exon 29 of the MYBPC3 gene. Splice site prediction tools suggest that this variant may impact RNA splicing, but a mini-gene assay has shown that this variant does not significantly affect splicing (PMID: 28679633). This variant has not been reported in individuals affected with MYBPC3-related disorders in the literature. This variant has been identified in 41/1606052 chromosomes in the general population by the Genome Aggregation Database (gnomAD). The available evidence is insufficient to determine the role of this variant in disease conclusively. Therefore, this variant is classified as a Variant of Uncertain Significance.

GeneDx
Classification: Uncertain significance. Last evaluated: 2025-08-25. Review status: criteria provided, single submitter. Criteria: GeneDx Variant Classification Process June 2021. Collection method: clinical testing. Allele origin: germline. Affected: yes.
Comment: Reported in the published literature in a patient with cardiomyopathy without detailed clinical information and reported as uncertain significance (PMID: 28679633); Not observed at significant frequency in large population cohorts (gnomAD); In silico analysis supports a deleterious effect on splicing; This variant is associated with the following publications: (PMID: 28679633, 35304488)

Blueprint Genetics
Classification: Uncertain significance. Last evaluated: 2024-01-17. Review status: criteria provided, single submitter. Criteria: ACMG Guidelines, 2015. Collection method: clinical testing. Allele origin: germline.

Labcorp Genetics (formerly Invitae), Labcorp
Classification: Uncertain significance for Hypertrophic cardiomyopathy. Last evaluated: 2023-12-06. Review status: criteria provided, single submitter. Criteria: Invitae Variant Classification Sherloc (09022015). Collection method: clinical testing. Allele origin: germline.
Comment: This sequence change affects codon 1041 of the MYBPC3 mRNA. It is a 'silent' change, meaning that it does not change the encoded amino acid sequence of the MYBPC3 protein. This variant is present in population databases (rs374626656, gnomAD 0.009%). This variant has been observed in individual(s) with clinical features of MYBPC3-related conditions (Invitae). ClinVar contains an entry for this variant (Variation ID: 181001). Algorithms developed to predict the effect of sequence changes on RNA splicing suggest that this variant may disrupt the consensus splice site. In summary, the available evidence is currently insufficient to determine the role of this variant in disease. Therefore, it has been classified as a Variant of Uncertain Significance.

Genetics and Molecular Pathology, SA Pathology
Classification: Uncertain significance for Hypertrophic cardiomyopathy. Last evaluated: 2023-07-24. Review status: criteria provided, single submitter. Criteria: ACMG Guidelines, 2015. Collection method: clinical testing. Allele origin: germline. Affected: yes.
Comment: The MYBPC3 c.3123C>T variant is classified as VUS (PM2_Supporting, PP3) This MYBPC3 c.3123C>T variant is a synonymous (silent) variant located in exon 29/35. The variant is rare in population databases (gnomAD allele frequency = 0.0059%; 9 het and 0 hom) (PM2_Supporting) and is reported in at least 5 individuals with Hypertrophic Cardiomyopathy (ClinVar). Computational splicing tools support a deleterious effect on the gene or gene product through the predicted gain of a donor splice site (PMID#28679633)(PP3). The variant has been reported in dbSNP (rs374626656), is reported as ?disease causing in the HGMD database (CS179892) and is reported as uncertain significance by other diagnostic laboratories (ClinVar Variation ID: 181001).

Ambry Genetics
Classification: Uncertain significance for Cardiovascular phenotype. Last evaluated: 2023-06-26. Review status: criteria provided, single submitter. Criteria: Ambry Variant Classification Scheme 2023. Collection method: clinical testing. Allele origin: germline.
Comment: The c.3123C>T variant (also known as p.G1041G) is located in coding exon 29 of the MYBPC3 gene. This variant results from a C to T substitution at nucleotide position 3123. This nucleotide substitution does not change the glycine at codon 1041. A minigene study indicated that this variant may not have a significant impact on splicing (Ito K et al. Proc Natl Acad Sci U S A, 2017 Jul;114:7689-7694). This nucleotide position is not well conserved in available vertebrate species. In silico splice site analysis predicts that this alteration will result in the creation or strengthening of a novel splice donor site. Since supporting evidence is limited at this time, the clinical significance of this alteration remains unclear.

CHEO Genetics Diagnostic Laboratory, Children's Hospital of Eastern Ontario
Classification: Uncertain significance for Cardiomyopathy. Last evaluated: 2022-11-25. Review status: criteria provided, single submitter. Criteria: ACMG Guidelines, 2015. Collection method: clinical testing. Allele origin: germline.

Literature cited by the submitters: PubMed 28679633 (cited by 3 submitters); PubMed 35304488 (cited by Ambry Genetics).

NM_000256.3(MYBPC3):c.3123C>T (p.Gly1041=)

Gene: MYBPC3 (myosin binding protein C3; minus strand). Cytogenetic location: 11p11.2.
Variant type: single nucleotide variant.
Coding change: c.3123C>T on transcript NM_000256.3 (MANE Select); coding-DNA position 3123, C replaced by T.
Protein change: p.Gly1041=; no amino-acid change (glycine 1041 retained).
Molecular consequence: synonymous variant.
Genome position (GRCh38, 1-based): chr11:47,333,624, G>A on the plus strand (C>T on the coding strand, the complement: MYBPC3 is on the minus strand). VCF-style: chr11-47333624-G-A. GRCh37 (hg19) VCF-style: chr11-47355175-G-A.
Other names: p.G1041G:GGC>GGT; c.3123C>T, p.Gly1041= (LRG_386t1).
Identifiers: ClinVar variation 181001 (VCV000181001.24), dbSNP rs374626656, ClinGen allele CA013510.